The following is an entry in ClinVar:

ClinVar aggregate classification (germline): Uncertain significance (1 of 4 stars; one submission).

Conditions:
Megalencephalic leukoencephalopathy with subcortical cysts 1 (MLC1). Also called: VACUOLATING MEGALENCEPHALIC LEUKOENCEPHALOPATHY WITH SUBCORTICAL CYSTS; LEUKOENCEPHALOPATHY WITH SWELLING AND CYSTS. Identifiers: Orphanet 2478, MedGen C5779875, MONDO:0024555, OMIM 604004.

Submission:

3billion
Classification: Uncertain significance for Megalencephalic leukoencephalopathy with subcortical cysts 1. Last evaluated: 2022-01-03. Review status: criteria provided, single submitter. Criteria: ACMG Guidelines, 2015. Collection method: clinical testing. Allele origin: germline. Affected: yes. Observed: 1 homozygote.
Comment: The variant not observed in the gnomAD v2.1.1 dataset (PM2_M). In silico tool predictions suggest damaging effect of the variant on gene or gene product (REVEL: 0.772, PP3_P). Therefore, this variant is classified as uncertain significance according to the recommendation of ACMG/AMP guideline.

NM_015166.4(MLC1):c.286G>T (p.Val96Leu)

Gene: MLC1 (modulator of VRAC current 1; minus strand). Cytogenetic location: 22q13.33.
Variant type: single nucleotide variant.
Coding change: c.286G>T on transcript NM_015166.4 (MANE Select); coding-DNA position 286, G replaced by T.
Protein change: p.Val96Leu; replaces valine 96 with leucine.
Molecular consequence: missense variant. On other transcripts: non-coding transcript variant (3), intron variant (2).
Genome position (GRCh38, 1-based): chr22:50,080,379, C>A on the plus strand (G>T on the coding strand, the complement: MLC1 is on the minus strand). VCF-style: chr22-50080379-C-A. GRCh37 (hg19) VCF-style: chr22-50518808-C-A.
Other names: c.286G>T, p.Val96Leu (NM_001376472.1, NM_001376473.1, NM_001376474.1 and 7 more transcripts); c.196G>T, p.Val66Leu (NM_001376480.1); c.49G>T, p.Val17Leu (NM_001376484.1); c.267+2705G>T (NM_001376482.1, NM_001376483.1); short protein forms V17L, V66L, V96L.
Identifiers: ClinVar variation 1333243 (VCV001333243.1), dbSNP rs2146908387, ClinGen allele CA412111315.